The following is an entry in ClinVar:

NM_006767.4(LZTR1):c.1702C>A (p.Gln568Lys)

Gene: LZTR1 (leucine zipper like post translational regulator 1; plus strand). Cytogenetic location: 22q11.21.
Variant type: single nucleotide variant.
Coding change: c.1702C>A on transcript NM_006767.4 (MANE Select); coding-DNA position 1702, C replaced by A.
Protein change: p.Gln568Lys; replaces glutamine 568 with lysine.
Molecular consequence: missense variant.
Genome position (GRCh38, 1-based): chr22:20,994,644, C>A. VCF-style: chr22-20994644-C-A. GRCh37 (hg19) VCF-style: chr22-21348933-C-A.
Other names: short protein forms Q568K.
Identifiers: ClinVar variation 2885357 (VCV002885357.3), dbSNP rs1924756229, ClinGen allele CA410777899.

ClinVar aggregate classification (germline): Uncertain significance (1 of 4 stars; one submission).

Allele frequency attached by ClinVar (database versions not stated): TOPMed below 0.00001; gnomAD 0.00001.
gnomAD v4.1: 1 of 1,612,818 alleles (0.000062%); highest among the groups gnomAD compares: African/African-American, 0.0013%; no homozygotes.

Submission:

Labcorp Genetics (formerly Invitae), Labcorp
Classification: Uncertain significance. Last evaluated: 2023-06-20. Review status: criteria provided, single submitter. Criteria: Invitae Variant Classification Sherloc (09022015). Collection method: clinical testing. Allele origin: germline.
Comment: This variant has not been reported in the literature in individuals affected with LZTR1-related conditions. This variant is not present in population databases (gnomAD no frequency). This sequence change replaces glutamine, which is neutral and polar, with lysine, which is basic and polar, at codon 568 of the LZTR1 protein (p.Gln568Lys). Advanced modeling of protein sequence and biophysical properties (such as structural, functional, and spatial information, amino acid conservation, physicochemical variation, residue mobility, and thermodynamic stability) performed at Invitae indicates that this missense variant is not expected to disrupt LZTR1 protein function. In summary, the available evidence is currently insufficient to determine the role of this variant in disease. Therefore, it has been classified as a Variant of Uncertain Significance.